The following is an entry in ClinVar:

NM_000038.6(APC):c.4547T>C (p.Ile1516Thr)

Gene: APC (APC regulator of Wnt signaling pathway; plus strand). Cytogenetic location: 5q22.2.
Variant type: single nucleotide variant.
Coding change: c.4547T>C on transcript NM_000038.6 (MANE Select); coding-DNA position 4547, T replaced by C.
Protein change: p.Ile1516Thr; replaces isoleucine 1516 with threonine.
Molecular consequence: missense variant. On other transcripts: non-coding transcript variant (2).
Genome position (GRCh38, 1-based): chr5:112,840,141, T>C. VCF-style: chr5-112840141-T-C. GRCh37 (hg19) VCF-style: chr5-112175838-T-C.
Other names: c.4547T>C, p.Ile1516Thr (NM_001127510.3, NM_001354895.2, NM_001407450.1); c.4493T>C, p.Ile1498Thr (NM_001127511.3); c.4601T>C, p.Ile1534Thr (NM_001354896.2, NM_001407447.1, NM_001407448.1 and 1 more transcripts); c.4577T>C, p.Ile1526Thr (NM_001354897.2); c.4472T>C, p.Ile1491Thr (NM_001354898.2); c.4463T>C, p.Ile1488Thr (NM_001354899.2); c.4424T>C, p.Ile1475Thr (NM_001354900.2); c.4370T>C, p.Ile1457Thr (NM_001354901.2, NM_001407453.1); and 11 more; short protein forms I1132T, I1233T, I1356T, I1387T, I1390T, I1415T, I1425T, I1433T.
Identifiers: ClinVar variation 2681816 (VCV002681816.3), dbSNP rs2149917262, ClinGen allele CA16031282.

ClinVar aggregate classification (germline): Uncertain significance. Review status: criteria provided, multiple submitters, no conflicts (2 of 4 stars). 3 submissions from 3 submitters: Uncertain significance (3). Last evaluated 2025-06-21.

Conditions:
Hereditary cancer-predisposing syndrome. Also called: Neoplastic Syndromes, Hereditary; Hereditary neoplastic syndrome; Tumor predisposition; Hereditary Cancer Syndrome. Identifiers: Orphanet 140162, MedGen C0027672, MeSH D009386, MONDO:0015356.
Familial adenomatous polyposis 1 (FAP1). Also called: FAMILIAL ADENOMATOUS POLYPOSIS 1, ATTENUATED; POLYPOSIS, ADENOMATOUS INTESTINAL. Identifiers: MedGen C2713442, MONDO:0021056, OMIM 175100. Disease mechanism: loss of function.

Allele frequency attached by ClinVar (database versions not stated): gnomAD exomes below 0.00001.
gnomAD v4.1: 1 of 1,614,082 alleles (0.000062%); highest among the groups gnomAD compares: Admixed American, 0.0017%; no homozygotes.

Submissions (3):

Ambry Genetics
Classification: Uncertain significance for Hereditary cancer-predisposing syndrome. Last evaluated: 2025-06-21. Review status: criteria provided, single submitter. Criteria: Ambry Variant Classification Scheme 2023. Collection method: clinical testing. Allele origin: germline.
Comment: The p.I1516T variant (also known as c.4547T>C), located in coding exon 15 of the APC gene, results from a T to C substitution at nucleotide position 4547. The isoleucine at codon 1516 is replaced by threonine, an amino acid with similar properties. This amino acid position is conserved. In addition, in silico predictors for this gene do not accurately predict pathogenicity. Based on the available evidence, the clinical significance of this variant remains unclear.

Labcorp Genetics (formerly Invitae), Labcorp
Classification: Uncertain significance for Familial adenomatous polyposis 1. Last evaluated: 2025-02-27. Review status: criteria provided, single submitter. Criteria: Invitae Variant Classification Sherloc (09022015). Collection method: clinical testing. Allele origin: germline.
Comment: This sequence change replaces isoleucine, which is neutral and non-polar, with threonine, which is neutral and polar, at codon 1516 of the APC protein (p.Ile1516Thr). This variant is not present in population databases (gnomAD no frequency). This variant has not been reported in the literature in individuals affected with APC-related conditions. ClinVar contains an entry for this variant (Variation ID: 2681816). Invitae Evidence Modeling of protein sequence and biophysical properties (such as structural, functional, and spatial information, amino acid conservation, physicochemical variation, residue mobility, and thermodynamic stability) indicates that this missense variant is not expected to disrupt APC protein function with a negative predictive value of 95%. In summary, the available evidence is currently insufficient to determine the role of this variant in disease. Therefore, it has been classified as a Variant of Uncertain Significance.

Quest Diagnostics Nichols Institute San Juan Capistrano
Classification: Uncertain significance. Last evaluated: 2023-06-21. Review status: criteria provided, single submitter. Criteria: Quest Diagnostics criteria. Collection method: clinical testing. Allele origin: unknown.
Comment: To the best of our knowledge, this variant has not been reported in individuals with APC-related conditions in the published literature. It also has not been reported in large, multi-ethnic general populations (Genome Aggregation Database). Analysis of this variant using bioinformatics tools for the prediction of the effect of amino acid changes on protein structure and function yielded predictions that this variant is damaging. Based on the available information, we are unable to determine the clinical significance of this variant.